The following is an entry in ClinVar:

NM_177438.3(DICER1):c.4664C>G (p.Ala1555Gly)

Gene: DICER1 (dicer 1, ribonuclease III; minus strand). Cytogenetic location: 14q32.13.
Variant type: single nucleotide variant.
Coding change: c.4664C>G on transcript NM_177438.3 (MANE Select); coding-DNA position 4664, C replaced by G.
Protein change: p.Ala1555Gly; replaces alanine 1555 with glycine.
Molecular consequence: missense variant. On other transcripts: non-coding transcript variant (6).
Genome position (GRCh38, 1-based): chr14:95,096,256, G>C on the plus strand (C>G on the coding strand, the complement: DICER1 is on the minus strand). VCF-style: chr14-95096256-G-C. GRCh37 (hg19) VCF-style: chr14-95562593-G-C.
Other names: c.4259C>G, p.Ala1420Gly (NM_001395689.1, NM_001395690.1, NM_001395696.1 and 2 more transcripts); c.4097C>G, p.Ala1366Gly (NM_001395691.1); c.4664C>G, p.Ala1555Gly (NM_001395692.1, NM_001395693.1, NM_001395694.1 and 12 more transcripts); c.2981C>G, p.Ala994Gly (NM_001395697.1); c.4382C>G, p.Ala1461Gly (NM_001395686.1); short protein forms A1461G, A994G, A1420G, A1555G, A1366G.
Identifiers: ClinVar variation 4746751 (VCV004746751.1).

ClinVar aggregate classification (germline): Uncertain significance (1 of 4 stars; one submission).

Conditions:
DICER1-related tumor predisposition. Also called: DICER1-related pleuropulmonary blastoma cancer predisposition syndrome; DICER1 syndrome. Identifiers: Orphanet 284343, MedGen C3839822, MONDO:0100216.

Submission:

Labcorp Genetics (formerly Invitae), Labcorp
Classification: Uncertain significance for DICER1-related tumor predisposition. Last evaluated: 2026-01-25. Review status: criteria provided, single submitter. Criteria: Invitae Variant Classification Sherloc (09022015). Collection method: clinical testing. Allele origin: germline.
Comment: This sequence change replaces alanine, which is neutral and non-polar, with glycine, which is neutral and non-polar, at codon 1555 of the DICER1 protein (p.Ala1555Gly). This variant is not present in population databases (gnomAD no frequency). This variant has not been reported in the literature in individuals affected with DICER1-related conditions. Invitae Evidence Modeling of protein sequence and biophysical properties (such as structural, functional, and spatial information, amino acid conservation, physicochemical variation, residue mobility, and thermodynamic stability) indicates that this missense variant is not expected to disrupt DICER1 protein function with a negative predictive value of 95%. In summary, the available evidence is currently insufficient to determine the role of this variant in disease. Therefore, it has been classified as a Variant of Uncertain Significance.